The following is an entry in ClinVar:

NM_020708.5(SLC12A5):c.2933G>A (p.Ser978Asn)

Gene: SLC12A5 (solute carrier family 12 member 5; plus strand). Cytogenetic location: 20q13.12.
Variant type: single nucleotide variant.
Coding change: c.2933G>A on transcript NM_020708.5 (MANE Select); coding-DNA position 2933, G replaced by A.
Protein change: p.Ser978Asn; replaces serine 978 with asparagine.
Molecular consequence: missense variant.
Genome position (GRCh38, 1-based): chr20:46,056,387, G>A. VCF-style: chr20-46056387-G-A. GRCh37 (hg19) VCF-style: chr20-44685026-G-A.
Other names: c.3002G>A, p.Ser1001Asn (NM_001134771.2); short protein forms S1001N, S978N.
Identifiers: ClinVar variation 568090 (VCV000568090.9), dbSNP rs1216388861, ClinGen allele CA409207603.

ClinVar aggregate classification (germline): Uncertain significance. Review status: criteria provided, multiple submitters, no conflicts (2 of 4 stars). 2 submissions from 2 submitters: Uncertain significance (2). Last evaluated 2022-05-18.

Conditions:
Developmental and epileptic encephalopathy, 34 (DEE34). Also called: SLC12A5-Related Epilepsy of Infancy with Migrating Focal Seizures; Early infantile epileptic encephalopathy 34. Identifiers: Orphanet 293181, MedGen C4225257, MONDO:0014718, OMIM 616645.

Allele frequency attached by ClinVar (database versions not stated): gnomAD exomes below 0.00001 and 0.00002; gnomAD 0.00001.
gnomAD v4.1: 26 of 1,612,206 alleles (0.0016%); highest among the groups gnomAD compares: Non-Finnish European, 0.002%; no homozygotes.

Submissions (2):

Blueprint Genetics
Classification: Uncertain significance. Last evaluated: 2022-05-18. Review status: criteria provided, single submitter. Criteria: ACMG Guidelines, 2015. Collection method: clinical testing. Allele origin: germline.

Labcorp Genetics (formerly Invitae), Labcorp
Classification: Uncertain significance for Developmental and epileptic encephalopathy, 34. Last evaluated: 2022-02-18. Review status: criteria provided, single submitter. Criteria: Invitae Variant Classification Sherloc (09022015). Collection method: clinical testing. Allele origin: germline.
Comment: This sequence change replaces serine, which is neutral and polar, with asparagine, which is neutral and polar, at codon 978 of the SLC12A5 protein (p.Ser978Asn). This variant is not present in population databases (gnomAD no frequency). This variant has not been reported in the literature in individuals affected with SLC12A5-related conditions. ClinVar contains an entry for this variant (Variation ID: 568090). Advanced modeling of protein sequence and biophysical properties (such as structural, functional, and spatial information, amino acid conservation, physicochemical variation, residue mobility, and thermodynamic stability) performed at Invitae indicates that this missense variant is not expected to disrupt SLC12A5 protein function. In summary, the available evidence is currently insufficient to determine the role of this variant in disease. Therefore, it has been classified as a Variant of Uncertain Significance.